The following is an entry in ClinVar:

NM_198253.3(TERT):c.2451C>T (p.Ala817=)

Gene: TERT (telomerase reverse transcriptase; minus strand). Cytogenetic location: 5p15.33.
Variant type: single nucleotide variant.
Coding change: c.2451C>T on transcript NM_198253.3 (MANE Select); coding-DNA position 2451, C replaced by T.
Protein change: p.Ala817=; no amino-acid change (alanine 817 retained).
Molecular consequence: synonymous variant.
Genome position (GRCh38, 1-based): chr5:1,271,136, G>A on the plus strand (C>T on the coding strand, the complement: TERT is on the minus strand). VCF-style: chr5-1271136-G-A. GRCh37 (hg19) VCF-style: chr5-1271251-G-A.
Other names: c.2451C>T, p.Ala817= (NM_001193376.3).
Identifiers: ClinVar variation 772020 (VCV000772020.12), dbSNP rs752794198, ClinGen allele CA3184515.

ClinVar aggregate classification (germline): Conflicting classifications of pathogenicity. Review status: criteria provided, conflicting classifications (1 of 4 stars). 3 submissions from 3 submitters: Uncertain significance (1); Likely benign (2). Last evaluated 2025-05-27.

Conditions:
Idiopathic Pulmonary Fibrosis. Also called: Idiopathic fibrosing alveolitis, chronic form; idiopathic fibrosing alveolitis. Identifiers: Orphanet 2032, MedGen C1800706, MeSH D054990, MONDO:0800504.
Dyskeratosis congenita, autosomal dominant 2. Identifiers: MedGen C3151443, MONDO:0013521, OMIM 613989.
Dyskeratosis congenita. Identifiers: Orphanet 1775, MedGen C0265965, MONDO:0015780.

Allele frequency attached by ClinVar (database versions not stated): ExAC 0.00001; gnomAD 0.00002; gnomAD exomes 0.00002; TOPMed 0.00002.
gnomAD v4.1: 20 of 1,612,916 alleles (0.0012%); highest among the groups gnomAD compares: African/African-American, 0.0067%; no homozygotes.

Submissions (3):

Labcorp Genetics (formerly Invitae), Labcorp
Classification: Likely benign for Dyskeratosis congenita, autosomal dominant 2; Idiopathic Pulmonary Fibrosis. Last evaluated: 2025-05-27. Review status: criteria provided, single submitter. Criteria: Invitae Variant Classification Sherloc (09022015). Collection method: clinical testing. Allele origin: germline.

Ambry Genetics
Classification: Uncertain significance for Dyskeratosis congenita. Last evaluated: 2025-05-22. Review status: criteria provided, single submitter. Criteria: Ambry Variant Classification Scheme 2023. Collection method: clinical testing. Allele origin: germline.
Comment: The c.2451C>T variant (also known as p.A817A), located in coding exon 8 of the TERT gene, results from a C to T substitution at nucleotide position 2451. This nucleotide substitution does not change the aminio acid at codon 817. This nucleotide position is well conserved in available vertebrate species. In silico splice site analysis for this alteration is inconclusive. Based on the available evidence, the clinical significance of this variant remains unclear.

Blueprint Genetics
Classification: Likely benign. Last evaluated: 2020-12-09. Review status: criteria provided, single submitter. Criteria: ACMG Guidelines, 2015. Collection method: clinical testing. Allele origin: germline.